The following is an entry in ClinVar:

ClinVar aggregate classification (germline): Uncertain significance (1 of 4 stars; one submission).

Conditions:
Noonan syndrome-like disorder with loose anagen hair 1 (NSLH1). Also called: TOSTI SYNDROME; MAZZANTI SYNDROME. Identifiers: Orphanet 2701, MedGen C4478716, MONDO:0054637, OMIM 607721.

gnomAD v4.1: 8 of 1,614,126 alleles (0.0005%); highest among the groups gnomAD compares: Admixed American, 0.005%; no homozygotes.

Submission:

St. Jude Molecular Pathology, St. Jude Children's Research Hospital
Classification: Uncertain significance for Noonan syndrome-like disorder with loose anagen hair 1. Last evaluated: 2025-06-17. Review status: criteria provided, single submitter. Criteria: St. Jude Assertion Criteria 2020. Collection method: clinical testing. Allele origin: germline.
Comment: The SHOC2 c.241A>G p.(Thr81Ala) missense change has a maximum subpopulation frequency of 0.0058% in gnomAD v2.1.1. The in silico tool REVEL predicts a benign effect on protein function, but to our knowledge this prediction has not been confirmed by functional studies. To our knowledge, this variant has not been reported in individuals with SHOC2- associated conditions. In summary, the evidence currently available is insufficient to determine the clinical significance of this variant. It has therefore been classified as of uncertain significance.

NM_007373.4(SHOC2):c.241A>G (p.Thr81Ala)

Gene: SHOC2 (SHOC2 leucine rich repeat scaffold protein; plus strand). Cytogenetic location: 10q25.2.
Variant type: single nucleotide variant.
Coding change: c.241A>G on transcript NM_007373.4 (MANE Select); coding-DNA position 241, A replaced by G.
Protein change: p.Thr81Ala; replaces threonine 81 with alanine.
Molecular consequence: missense variant.
Genome position (GRCh38, 1-based): chr10:110,964,599, A>G. VCF-style: chr10-110964599-A-G. GRCh37 (hg19) VCF-style: chr10-112724357-A-G.
Other names: c.241A>G, p.Thr81Ala (NM_001269039.3, NM_001324336.2, NM_001324337.2); short protein forms T81A.
Identifiers: ClinVar variation 4056105 (VCV004056105.2).